The following is an entry in ClinVar:

ClinVar aggregate classification (germline): Uncertain significance (1 of 4 stars; one submission).

Conditions:
USP9X-related disorder. Also called: USP9X-related condition.

Submission:

PreventionGenetics, part of Exact Sciences
Classification: Uncertain significance for USP9X-related condition. Last evaluated: 2024-10-21. Review status: criteria provided, single submitter. Criteria: ACMG Guidelines, 2015. Collection method: clinical testing. Allele origin: germline.
Comment: The USP9X c.3641_3643dupTTA variant is predicted to result in an in-frame duplication (p.Leu1214_Arg1215insIle). To our knowledge, this variant has not been reported in the literature or in a large population database (gnomAD), indicating this variant is rare. At this time, the clinical significance of this variant is uncertain due to the absence of conclusive functional and genetic evidence.

NM_001039591.3(USP9X):c.3641_3643dup (p.Leu1214_Arg1215insIle)

Gene: USP9X (ubiquitin specific peptidase 9 X-linked; plus strand). Cytogenetic location: Xp11.4.
Variant type: Duplication.
Coding change: c.3641_3643dup on transcript NM_001039591.3 (MANE Select); coding-DNA positions 3641 to 3643, 3 bases duplicated (TTA; older notation c.3641_3643dupTTA).
Protein change: p.Leu1214_Arg1215insIle.
Molecular consequence: inframe insertion.
Genome position (GRCh38, 1-based): chrX:41,186,599-41,186,601, TTA duplicated. VCF-style (leftmost placement, unchanged base first): chrX-41186598-C-CTTA. GRCh37 (hg19) VCF-style: chrX-41045851-C-CTTA.
Other names: c.3641_3643dup, p.Leu1214_Arg1215insIle (NM_001039590.3); c.3656_3658dup, p.Leu1219_Arg1220insIle (NM_001410748.1, NM_001410749.1, NM_001437534.1).
Identifiers: ClinVar variation 4999304 (VCV004999304.1).